The following is an entry in ClinVar:

ClinVar aggregate classification (germline): Uncertain significance (1 of 4 stars; one submission).

Submission:

Labcorp Genetics (formerly Invitae), Labcorp
Classification: Uncertain significance. Last evaluated: 2022-10-18. Review status: criteria provided, single submitter. Criteria: Invitae Variant Classification Sherloc (09022015). Collection method: clinical testing. Allele origin: germline.
Comment: This sequence change replaces threonine, which is neutral and polar, with asparagine, which is neutral and polar, at codon 642 of the CNGA3 protein (p.Thr642Asn). This variant is not present in population databases (gnomAD no frequency). This variant has not been reported in the literature in individuals affected with CNGA3-related conditions. Advanced modeling of protein sequence and biophysical properties (such as structural, functional, and spatial information, amino acid conservation, physicochemical variation, residue mobility, and thermodynamic stability) has been performed at Invitae for this missense variant, however the output from this modeling did not meet the statistical confidence thresholds required to predict the impact of this variant on CNGA3 protein function. In summary, the available evidence is currently insufficient to determine the role of this variant in disease. Therefore, it has been classified as a Variant of Uncertain Significance.

NM_001298.3(CNGA3):c.1925C>A (p.Thr642Asn)

Gene: CNGA3 (cyclic nucleotide gated channel subunit alpha 3; plus strand). Cytogenetic location: 2q11.2.
Variant type: single nucleotide variant.
Coding change: c.1925C>A on transcript NM_001298.3 (MANE Select); coding-DNA position 1925, C replaced by A.
Protein change: p.Thr642Asn; replaces threonine 642 with asparagine.
Molecular consequence: missense variant.
Genome position (GRCh38, 1-based): chr2:98,397,095, C>A. VCF-style: chr2-98397095-C-A. GRCh37 (hg19) VCF-style: chr2-99013558-C-A.
Other names: c.1871C>A, p.Thr624Asn (NM_001079878.2); short protein forms T642N, T624N.
Identifiers: ClinVar variation 2045508 (VCV002045508.4), dbSNP rs1692939037, ClinGen allele CA347834589.